The following is an entry in ClinVar:

ClinVar aggregate classification (germline): Uncertain significance (1 of 4 stars; one submission).

Conditions:
Distal hereditary motor neuropathy type 2. Identifiers: Orphanet 139525, MedGen C3711384, MeSH C580044, MONDO:0015352.

Allele frequency attached by ClinVar (database versions not stated): gnomAD exomes below 0.00001; TOPMed below 0.00001.
gnomAD v4.1: 5 of 1,613,056 alleles (0.00031%); highest among the groups gnomAD compares: Non-Finnish European, 0.00042%; no homozygotes.

Submission:

Labcorp Genetics (formerly Invitae), Labcorp
Classification: Uncertain significance for Distal hereditary motor neuropathy type 2. Last evaluated: 2023-02-01. Review status: criteria provided, single submitter. Criteria: Invitae Variant Classification Sherloc (09022015). Collection method: clinical testing. Allele origin: germline.
Comment: This sequence change replaces leucine, which is neutral and non-polar, with valine, which is neutral and non-polar, at codon 300 of the FBXO38 protein (p.Leu300Val). This variant is not present in population databases (gnomAD no frequency). This variant has not been reported in the literature in individuals affected with FBXO38-related conditions. Advanced modeling of protein sequence and biophysical properties (such as structural, functional, and spatial information, amino acid conservation, physicochemical variation, residue mobility, and thermodynamic stability) performed at Invitae indicates that this missense variant is not expected to disrupt FBXO38 protein function. In summary, the available evidence is currently insufficient to determine the role of this variant in disease. Therefore, it has been classified as a Variant of Uncertain Significance.

NM_205836.3(FBXO38):c.898C>G (p.Leu300Val)

Gene: FBXO38 (F-box protein 38; plus strand). Cytogenetic location: 5q32.
Variant type: single nucleotide variant.
Coding change: c.898C>G on transcript NM_205836.3 (MANE Select); coding-DNA position 898, C replaced by G.
Protein change: p.Leu300Val; replaces leucine 300 with valine.
Molecular consequence: missense variant.
Genome position (GRCh38, 1-based): chr5:148,409,153, C>G. VCF-style: chr5-148409153-C-G. GRCh37 (hg19) VCF-style: chr5-147788716-C-G.
Other names: c.898C>G, p.Leu300Val (NM_001271723.2, NM_030793.5); short protein forms L300V.
Identifiers: ClinVar variation 2761065 (VCV002761065.3), dbSNP rs889477496, ClinGen allele CA128972252.